The following is an entry in ClinVar:

ClinVar aggregate classification (germline): Pathogenic (1 of 4 stars; one submission).

Conditions:
Familial thoracic aortic aneurysm and aortic dissection (TAAD). Also called: Thoracic aortic aneurysms and dissections. Identifiers: Orphanet 91387, MedGen C4707243, MONDO:0019625.

Submission:

Ambry Genetics
Classification: Pathogenic for Familial thoracic aortic aneurysm and aortic dissection. Last evaluated: 2024-12-13. Review status: criteria provided, single submitter. Criteria: Ambry Variant Classification Scheme 2023. Collection method: clinical testing. Allele origin: germline.
Comment: The c.3514delG pathogenic mutation, located in coding exon 44 of the COL5A1 gene, results from a deletion of one nucleotide at nucleotide position 3514, causing a translational frameshift with a predicted alternate stop codon (p.D1172Tfs*104). This variant is considered to be rare based on population cohorts in the Genome Aggregation Database (gnomAD). This alteration is expected to result in loss of function by premature protein truncation or nonsense-mediated mRNA decay. As such, this alteration is interpreted as a disease-causing mutation.

NM_000093.5(COL5A1):c.3514del (p.Asp1172fs)

Gene: COL5A1 (collagen type V alpha 1 chain; plus strand). Cytogenetic location: 9q34.3.
Variant type: Deletion.
Coding change: c.3514del on transcript NM_000093.5 (MANE Select); coding-DNA position 3514, one base deleted (G; older notation c.3514delG).
Protein change: p.Asp1172fs; shifts the reading frame from aspartic acid 1172.
Molecular consequence: frameshift variant.
Genome position (GRCh38, 1-based): chr9:134,810,294, G deleted; the last of 5 consecutive G bases (chr9:134,810,290-134,810,294); deleting any one gives the same sequence. VCF-style (leftmost placement, unchanged base first): chr9-134810289-AG-A. GRCh37 (hg19) VCF-style: chr9-137702135-AG-A.
Other names: c.3514del, p.Asp1172fs (NM_001278074.1); short protein forms D1172fs.
Identifiers: ClinVar variation 3835303 (VCV003835303.1).